The following is an entry in ClinVar:

ClinVar aggregate classification (germline): Uncertain significance (1 of 4 stars; one submission).

gnomAD v4.1: 1 of 1,613,826 alleles (0.000062%); highest among the groups gnomAD compares: Non-Finnish European, 0.000085%; no homozygotes.

Submission:

Labcorp Genetics (formerly Invitae), Labcorp
Classification: Uncertain significance. Last evaluated: 2025-08-31. Review status: criteria provided, single submitter. Criteria: Invitae Variant Classification Sherloc (09022015). Collection method: clinical testing. Allele origin: germline.
Comment: This sequence change replaces cysteine, which is neutral and slightly polar, with tyrosine, which is neutral and polar, at codon 79 of the ACER3 protein (p.Cys79Tyr). This variant is not present in population databases (gnomAD no frequency). This variant has not been reported in the literature in individuals affected with ACER3-related conditions. Invitae Evidence Modeling of protein sequence and biophysical properties (such as structural, functional, and spatial information, amino acid conservation, physicochemical variation, residue mobility, and thermodynamic stability) indicates that this missense variant is not expected to disrupt ACER3 protein function with a negative predictive value of 80%. In summary, the available evidence is currently insufficient to determine the role of this variant in disease. Therefore, it has been classified as a Variant of Uncertain Significance.

NM_018367.7(ACER3):c.236G>A (p.Cys79Tyr)

Gene: ACER3 (alkaline ceramidase 3; plus strand). Cytogenetic location: 11q13.5.
Variant type: single nucleotide variant.
Coding change: c.236G>A on transcript NM_018367.7 (MANE Select); coding-DNA position 236, G replaced by A.
Protein change: p.Cys79Tyr; replaces cysteine 79 with tyrosine.
Molecular consequence: missense variant. On other transcripts: intron variant (2).
Genome position (GRCh38, 1-based): chr11:76,959,000, G>A. VCF-style: chr11-76959000-G-A. GRCh37 (hg19) VCF-style: chr11-76670044-G-A.
Other names: c.125G>A, p.Cys42Tyr (NM_001300953.2); c.-142-77G>A (NM_001300954.2); c.-18-17289G>A (NM_001300955.2); short protein forms C79Y, C42Y.
Identifiers: ClinVar variation 4775010 (VCV004775010.1).